The following is an entry in ClinVar:

NM_022168.4(IFIH1):c.2630A>G (p.Gln877Arg)

Gene: IFIH1 (interferon induced with helicase C domain 1; minus strand). Cytogenetic location: 2q24.2.
Variant type: single nucleotide variant.
Coding change: c.2630A>G on transcript NM_022168.4 (MANE Select); coding-DNA position 2630, A replaced by G.
Protein change: p.Gln877Arg; replaces glutamine 877 with arginine.
Molecular consequence: missense variant.
Genome position (GRCh38, 1-based): chr2:162,268,264, T>C on the plus strand (A>G on the coding strand, the complement: IFIH1 is on the minus strand). VCF-style: chr2-162268264-T-C. GRCh37 (hg19) VCF-style: chr2-163124774-T-C.
Other names: short protein forms Q877R.
Identifiers: ClinVar variation 4071764 (VCV004071764.1).

ClinVar aggregate classification (germline): Uncertain significance (1 of 4 stars; one submission).

Submission:

GeneDx
Classification: Uncertain significance. Last evaluated: 2025-01-22. Review status: criteria provided, single submitter. Criteria: GeneDx Variant Classification Process June 2021. Collection method: clinical testing. Allele origin: germline. Affected: yes.
Comment: Not observed at significant frequency in large population cohorts (gnomAD); In silico analysis supports that this missense variant has a deleterious effect on protein structure/function; Has not been previously published as pathogenic or benign to our knowledge